The following is an entry in ClinVar:

ClinVar aggregate classification (germline): Benign (1 of 4 stars; one submission).

Allele frequency attached by ClinVar (database versions not stated): gnomAD 0.32443 and 0.33778.
gnomAD v4.1: 35,122 of 103,790 alleles (34%); highest among the groups gnomAD compares: South Asian, 55%; 5,416 homozygotes.

Submission:

GeneDx
Classification: Benign. Last evaluated: 2018-06-14. Review status: criteria provided, single submitter. Criteria: GeneDx Variant Classification (06012015). Collection method: clinical testing. Allele origin: germline. Affected: yes.
Comment: This variant is considered likely benign or benign based on one or more of the following criteria: it is a conservative change, it occurs at a poorly conserved position in the protein, it is predicted to be benign by multiple in silico algorithms, and/or has population frequency not consistent with disease.

NM_001244008.2(KIF1A):c.430-197T>C

Gene: KIF1A (kinesin family member 1A; minus strand). Cytogenetic location: 2q37.3.
Variant type: single nucleotide variant.
Coding change: c.430-197T>C on transcript NM_001244008.2 (MANE Select); 197 bases into the intron before coding-DNA position 430, T replaced by C.
Molecular consequence: intron variant.
Genome position (GRCh38, 1-based): chr2:240,786,710, A>G on the plus strand (T>C on the coding strand, the complement: KIF1A is on the minus strand). VCF-style: chr2-240786710-A-G. GRCh37 (hg19) VCF-style: chr2-241726127-A-G.
Other names: c.430-197T>C (NM_001379653.1, NM_001379650.1, NM_001379645.1 and 20 more transcripts).
Identifiers: ClinVar variation 682828 (VCV000682828.1), dbSNP rs1864877, ClinGen allele CA11216209.